The following is an entry in ClinVar:

ClinVar aggregate classification (germline): Pathogenic. Review status: criteria provided, multiple submitters, no conflicts (2 of 4 stars). 2 submissions from 2 submitters: Pathogenic (2). Last evaluated 2022-12-04.

Conditions:
Osteogenesis imperfecta type I (OI1). Also called: OI, TYPE I; OSTEOGENESIS IMPERFECTA TARDA; OSTEOGENESIS IMPERFECTA WITH BLUE SCLERAE; Osteogenesis imperfecta type 1; Lobstein's Disease; Lobstein disease. Identifiers: Orphanet 216796, Orphanet 666, MedGen C0023931, MONDO:0008146, OMIM 166200. Disease mechanism: loss of function.
COL1A1-related disorder. Also called: COL1A1-related condition; COL1A1- related disease.

Submissions (2):

PreventionGenetics, part of Exact Sciences
Classification: Pathogenic for COL1A1-related condition. Last evaluated: 2022-12-04. Review status: criteria provided, single submitter. Criteria: ACMG Guidelines, 2015. Collection method: clinical testing. Allele origin: germline.
Comment: The COL1A1 c.4321G>T variant is predicted to result in the amino acid substitution p.Asp1441Tyr. This variant resides in the carboxyl-terminal propeptide of the proa1(I) chain of type I collagen. This variant has been reported to have arisen de novo in an individual with osteogenesis imperfecta II with features of dense bone disease (Pace et al 2002. PubMed ID: 11826020). Functional studies have shown that this variant causes impaired assembly of type I procollagen (Pace et al 2002. PubMed ID: 11826020; Barnes AM et al 2019. PubMed ID: 31055083). This variant has not been reported in a large population database, indicating this variant is rare. An alternative substitution affecting the same amino acid (p.Asp1441His) has also been reported in association with osteogenesis imperfecta (Human Gene Mutation Database). This variant is interpreted as pathogenic.

Labcorp Genetics (formerly Invitae), Labcorp
Classification: Pathogenic for Osteogenesis imperfecta type I. Last evaluated: 2019-08-23. Review status: criteria provided, single submitter. Criteria: Invitae Variant Classification Sherloc (09022015). Collection method: clinical testing. Allele origin: germline.
Comment: This sequence change replaces aspartic acid with tyrosine at codon 1441 of the COL1A1 protein (p.Asp1441Tyr). The aspartic acid residue is highly conserved and there is a large physicochemical difference between aspartic acid and tyrosine. For these reasons, this variant has been classified as Pathogenic. This variant disrupts the p.Asp1441 amino acid residue in COL1A1. Other variant(s) that disrupt this residue have been determined to be pathogenic (PMID: 25146735, 19199251). This suggests that this residue is clinically significant, and that variants that disrupt this residue are likely to be disease-causing. This variant has been reported to affect COL1A1 protein function (PMID:11826020). This variant has been observed in individual(s) with osteogenesis imperfecta (PMID: 11826020, Invitae). In at least one individual the variant was observed to be de novo. This variant is not present in population databases (ExAC no frequency).

Literature cited by the submitters: PubMed 25146735 (cited by Labcorp Genetics (formerly Invitae), Labcorp); PubMed 19199251 (cited by Labcorp Genetics (formerly Invitae), Labcorp); PubMed 11826020 (cited by Labcorp Genetics (formerly Invitae), Labcorp).

NM_000088.4(COL1A1):c.4321G>T (p.Asp1441Tyr)

Gene: COL1A1 (collagen type I alpha 1 chain; minus strand). Cytogenetic location: 17q21.33.
Variant type: single nucleotide variant.
Coding change: c.4321G>T on transcript NM_000088.4 (MANE Select); coding-DNA position 4321, G replaced by T.
Protein change: p.Asp1441Tyr; replaces aspartic acid 1441 with tyrosine.
Molecular consequence: missense variant.
Genome position (GRCh38, 1-based): chr17:50,185,576, C>A on the plus strand (G>T on the coding strand, the complement: COL1A1 is on the minus strand). VCF-style: chr17-50185576-C-A. GRCh37 (hg19) VCF-style: chr17-48262937-C-A.
Other names: short protein forms D1441Y.
Identifiers: ClinVar variation 953286 (VCV000953286.11), dbSNP rs72656351, ClinGen allele CA291542763.